The following is an entry in ClinVar:

ClinVar aggregate classification (germline): Uncertain significance. Review status: criteria provided, multiple submitters, no conflicts (2 of 4 stars). 5 submissions from 5 submitters: Uncertain significance (5). Last evaluated 2026-02-01.

Conditions:
Inborn genetic diseases. Identifiers: MedGen C0950123, MeSH D030342.
Bethlem myopathy 1A. Also called: Bethlem myopathy 1; MYOPATHY, BENIGN CONGENITAL, WITH CONTRACTURES; Bethlem Muscular Dystrophy. Identifiers: Orphanet 610, MedGen CN029274, MONDO:0024530, OMIM 158810.

Allele frequency attached by ClinVar (database versions not stated): ExAC 0.00003; gnomAD exomes 0.00003 and 0.00005; gnomAD 0.00005; ESP Exome Variant Server 0.00008; TOPMed 0.00009.
gnomAD v4.1: 57 of 1,611,566 alleles (0.0035%); highest among the groups gnomAD compares: Non-Finnish European, 0.0041%; no homozygotes.

Submissions (5):

CeGaT Center for Human Genetics Tuebingen
Classification: Uncertain significance. Last evaluated: 2026-02-01. Review status: criteria provided, single submitter. Criteria: CeGaT Center For Human Genetics Tuebingen Variant Classification Criteria Version 2. Collection method: clinical testing. Allele origin: germline. Affected: yes. Observed: 3 variant alleles.
Comment: COL6A2: PM2

Labcorp Genetics (formerly Invitae), Labcorp
Classification: Uncertain significance for Bethlem myopathy 1A. Last evaluated: 2025-12-20. Review status: criteria provided, single submitter. Criteria: Invitae Variant Classification Sherloc (09022015). Collection method: clinical testing. Allele origin: germline.
Comment: This sequence change replaces arginine, which is basic and polar, with histidine, which is basic and polar, at codon 213 of the COL6A2 protein (p.Arg213His). This variant is present in population databases (rs368064647, gnomAD 0.008%). This variant has not been reported in the literature in individuals affected with COL6A2-related conditions. ClinVar contains an entry for this variant (Variation ID: 282526). Invitae Evidence Modeling of protein sequence and biophysical properties (such as structural, functional, and spatial information, amino acid conservation, physicochemical variation, residue mobility, and thermodynamic stability) has been performed for this missense variant. However, the output from this modeling did not meet the statistical confidence thresholds required to predict the impact of this variant on COL6A2 protein function. In summary, the available evidence is currently insufficient to determine the role of this variant in disease. Therefore, it has been classified as a Variant of Uncertain Significance.

Ambry Genetics
Classification: Uncertain significance for Inborn genetic diseases. Last evaluated: 2024-09-11. Review status: criteria provided, single submitter. Criteria: Ambry Variant Classification Scheme 2023. Collection method: clinical testing. Allele origin: germline.

GeneDx
Classification: Uncertain significance. Last evaluated: 2022-12-06. Review status: criteria provided, single submitter. Criteria: GeneDx Variant Classification Process June 2021. Collection method: clinical testing. Allele origin: germline.
Comment: In silico analysis supports that this missense variant has a deleterious effect on protein structure/function; Has not been previously published as pathogenic or benign to our knowledge; This variant is associated with the following publications: (PMID: 30564623)

Eurofins Ntd Llc (ga)
Classification: Uncertain significance. Last evaluated: 2017-11-17. Review status: criteria provided, single submitter. Criteria: EGL Classification Definitions 2015. Collection method: clinical testing. Allele origin: germline. Observed: 1 variant allele, 1 heterozygote.

NM_001849.4(COL6A2):c.638G>A (p.Arg213His)

Gene: COL6A2 (collagen type VI alpha 2 chain; plus strand). Cytogenetic location: 21q22.3.
Variant type: single nucleotide variant.
Coding change: c.638G>A on transcript NM_001849.4 (MANE Select); coding-DNA position 638, G replaced by A.
Protein change: p.Arg213His; replaces arginine 213 with histidine.
Molecular consequence: missense variant.
Genome position (GRCh38, 1-based): chr21:46,112,501, G>A. VCF-style: chr21-46112501-G-A. GRCh37 (hg19) VCF-style: chr21-47532415-G-A.
Other names: c.638G>A, p.Arg213His (NM_058174.3, NM_058175.3); short protein forms R213H.
Identifiers: ClinVar variation 282526 (VCV000282526.58), dbSNP rs368064647, ClinGen allele CA10071359.